The following is an entry in ClinVar:

NM_001036.6(RYR3):c.8236A>G (p.Ile2746Val)

Gene: RYR3 (ryanodine receptor 3; plus strand). Cytogenetic location: 15q14.
Variant type: single nucleotide variant.
Coding change: c.8236A>G on transcript NM_001036.6 (MANE Select); coding-DNA position 8236, A replaced by G.
Protein change: p.Ile2746Val; replaces isoleucine 2746 with valine.
Molecular consequence: missense variant.
Genome position (GRCh38, 1-based): chr15:33,750,015, A>G. VCF-style: chr15-33750015-A-G. GRCh37 (hg19) VCF-style: chr15-34042216-A-G.
Other names: c.8236A>G (NM_001036.3); c.8236A>G, p.Ile2746Val (NM_001243996.4); short protein forms I2746V.
Identifiers: ClinVar variation 530977 (VCV000530977.44), dbSNP rs201914506, ClinGen allele CA7460150.

ClinVar aggregate classification (germline): Conflicting classifications of pathogenicity. Review status: criteria provided, conflicting classifications (1 of 4 stars). 3 submissions from 3 submitters: Uncertain significance (2); Likely benign (1). Last evaluated 2024-12-01.

Conditions:
Epileptic encephalopathy. Identifiers: MedGen C0543888, HP:0200134.

Allele frequency attached by ClinVar (database versions not stated): ESP Exome Variant Server 0.00008; TOPMed 0.00019; gnomAD exomes 0.00029 and 0.00033; gnomAD 0.00036 and 0.00039; ExAC 0.00043.
gnomAD v4.1: 485 of 1,612,508 alleles (0.03%); highest among the groups gnomAD compares: Non-Finnish European, 0.03%; no homozygotes.

Submissions (3):

CeGaT Center for Human Genetics Tuebingen
Classification: Uncertain significance. Last evaluated: 2024-12-01. Review status: criteria provided, single submitter. Criteria: CeGaT Center For Human Genetics Tuebingen Variant Classification Criteria Version 2. Collection method: clinical testing. Allele origin: germline. Affected: yes. Observed: 2 variant alleles.
Comment: RYR3: PM2, PP3

Labcorp Genetics (formerly Invitae), Labcorp
Classification: Likely benign for Epileptic encephalopathy. Last evaluated: 2022-10-28. Review status: criteria provided, single submitter. Criteria: Invitae Variant Classification Sherloc (09022015). Collection method: clinical testing. Allele origin: germline.

Ambry Genetics
Classification: Uncertain significance. Last evaluated: 2022-10-04. Review status: criteria provided, single submitter. Criteria: Ambry Variant Classification Scheme 2023. Collection method: clinical testing. Allele origin: germline.